The following is an entry in ClinVar:

NM_002834.5(PTPN11):c.*41_*46del

Gene: PTPN11 (protein tyrosine phosphatase non-receptor type 11; plus strand). Cytogenetic location: 12q24.13.
Variant type: Deletion.
Coding change: c.*41_*46del on transcript NM_002834.5 (MANE Select); 41 bases downstream of the stop codon through 46 bases downstream of the stop codon, 6 bases deleted (TTTCAC; older notation c.*41_*46delTTTCAC).
Molecular consequence: 3 prime UTR variant.
Genome position (GRCh38, 1-based): chr12:112,505,833-112,505,838, TTTCAC deleted; deleting any 6 consecutive bases within chr12:112,505,831-112,505,838 gives the same sequence; the c. name uses the placement nearest the transcript's 3' end. VCF-style (leftmost placement, unchanged base first): chr12-112505830-GACTTTC-G. GRCh37 (hg19) VCF-style: chr12-112943634-GACTTTC-G.
Other names: c.*41_*46del6 (NM_002834.4); c.*41_*46del (NM_001330437.2, NM_001374625.1).
Identifiers: ClinVar variation 307227 (VCV000307227.7), dbSNP rs886048967, ClinGen allele CA10632050.
Genomic context (GRCh38, chr12:112,505,830, plus strand): 5'-TGTTAAGCTTTTAGATATATGTTCCTTAAAAACTCTTAACTTATTTCTTCCCCAGATGTG[GACTTTC>G]ACCCTCTCCCTAAAAAGATCAAGAACAGACGCAAGAAAGTTTATGTGAAGACAGAATTTG-3'

ClinVar aggregate classification (germline): Likely benign. Review status: criteria provided, single submitter (1 of 4 stars). 2 submissions from 2 submitters: Likely benign (1). 1 of the submissions does not count toward it. Last evaluated 2017-08-04.

Conditions:
PTPN11-related disorder. Also called: PTPN11-Related Disorders.

Submissions (2):

GeneDx
Classification: Likely benign. Last evaluated: 2017-08-04. Review status: criteria provided, single submitter. Criteria: GeneDx Variant Classification (06012015). Collection method: clinical testing. Allele origin: germline. Affected: yes.
Comment: This variant is considered likely benign or benign based on one or more of the following criteria: it is a conservative change, it occurs at a poorly conserved position in the protein, it is predicted to be benign by multiple in silico algorithms, and/or has population frequency not consistent with disease.

PreventionGenetics, part of Exact Sciences
Classification: Likely benign for PTPN11-related condition. Last evaluated: 2022-05-16. Review status: no assertion criteria provided. Collection method: clinical testing. Allele origin: germline. Not counted in ClinVar's aggregate classification.
Comment: This variant is classified as likely benign based on ACMG/AMP sequence variant interpretation guidelines (Richards et al. 2015 PMID: 25741868, with internal and published modifications).